The following is an entry in ClinVar:

ClinVar aggregate classification (germline): Likely benign. Review status: criteria provided, multiple submitters, no conflicts (2 of 4 stars). 2 submissions from 2 submitters: Likely benign (2). Last evaluated 2026-07-01.

Conditions:
Hereditary spastic paraplegia 50 (SPG50). Also called: Spastic paraplegia 50, autosomal recessive. Identifiers: Orphanet 280763, MedGen C2752008, MONDO:0013048, OMIM 612936.

Allele frequency attached by ClinVar (database versions not stated): gnomAD 0.00001; TOPMed 0.00002; gnomAD exomes 0.00003; ExAC 0.00006; 1000 Genomes Project 30x 0.00016; 1000 Genomes Project 0.00020.
gnomAD v4.1: 54 of 1,613,638 alleles (0.0033%); highest among the groups gnomAD compares: Non-Finnish European, 0.0039%; no homozygotes.

Submissions (2):

CeGaT Center for Human Genetics Tuebingen
Classification: Likely benign. Last evaluated: 2026-07-01. Review status: criteria provided, single submitter. Criteria: CeGaT Center For Human Genetics Tuebingen Variant Classification Criteria Version 2. Collection method: clinical testing. Allele origin: germline. Affected: yes. Observed: 1 variant allele.
Comment: AP4M1: BP4, BP7

Labcorp Genetics (formerly Invitae), Labcorp
Classification: Likely benign for Hereditary spastic paraplegia 50. Last evaluated: 2022-11-21. Review status: criteria provided, single submitter. Criteria: Invitae Variant Classification Sherloc (09022015). Collection method: clinical testing. Allele origin: germline.

NM_004722.4(AP4M1):c.1188G>A (p.Ser396=)

Gene: AP4M1 (adaptor related protein complex 4 subunit mu 1; plus strand). Cytogenetic location: 7q22.1.
Variant type: single nucleotide variant.
Coding change: c.1188G>A on transcript NM_004722.4 (MANE Select); coding-DNA position 1188, G replaced by A.
Protein change: p.Ser396=; no amino-acid change (serine 396 retained).
Molecular consequence: synonymous variant.
Genome position (GRCh38, 1-based): chr7:100,106,708, G>A. VCF-style: chr7-100106708-G-A. GRCh37 (hg19) VCF-style: chr7-99704331-G-A.
Other names: c.1209G>A, p.Ser403= (NM_001363671.2).
Identifiers: ClinVar variation 2873901 (VCV002873901.4), dbSNP rs563836039, ClinGen allele CA4375023.
Genomic context (GRCh38, chr7:100,106,708, plus strand): 5'-CCCCTCACAGATGGACGTCCCAGGGCCCCCAGGACCTCCCAGCCATGGGCTCTCCACCTC[G>A]GCCTCTCCTCTGGGGCTGGGCCCTGCCAGTCTCTCCTTCGAGCTTCCCCGGCACACGTGC-3'
Protein context (NP_004713.2, residues 386-406): PGPPSHGLST[Ser396=]ASPLGLGPAS